The following is an entry in ClinVar:

NM_001244008.2(KIF1A):c.3064-228G>A

Gene: KIF1A (kinesin family member 1A; minus strand). Cytogenetic location: 2q37.3.
Variant type: single nucleotide variant.
Coding change: c.3064-228G>A on transcript NM_001244008.2 (MANE Select); 228 bases into the intron before coding-DNA position 3064, G replaced by A.
Molecular consequence: intron variant.
Genome position (GRCh38, 1-based): chr2:240,746,405, C>T on the plus strand (G>A on the coding strand, the complement: KIF1A is on the minus strand). VCF-style: chr2-240746405-C-T. GRCh37 (hg19) VCF-style: chr2-241685822-C-T.
Other names: c.2761-228G>A (NM_001379653.1, NM_001379650.1, NM_001379640.1 and 6 more transcripts); c.3037-228G>A (NM_001379645.1, NM_001379633.1, NM_001379642.1); c.2863-228G>A (NM_001379635.1, NM_001330290.2, NM_001379646.1 and 1 more transcripts); c.3013-228G>A (NM_001379632.1); c.2836-228G>A (NM_001379637.1, NM_001379648.1); c.2788-228G>A (NM_001320705.2, NM_001379638.1, NM_001330289.2); c.3139-228G>A (NM_001379631.1).
Identifiers: ClinVar variation 682842 (VCV000682842.1), dbSNP rs10196375, ClinGen allele CA11142911.

ClinVar aggregate classification (germline): Benign (1 of 4 stars; one submission).

Allele frequency attached by ClinVar (database versions not stated): TOPMed 0.49426; gnomAD 0.49924 and 0.49962; 1000 Genomes Project 30x 0.50812; 1000 Genomes Project 0.51558.
gnomAD v4.1: 75,991 of 152,066 alleles (50%); highest among the groups gnomAD compares: East Asian, 66%; 19,131 homozygotes.

Submission:

GeneDx
Classification: Benign. Last evaluated: 2018-06-14. Review status: criteria provided, single submitter. Criteria: GeneDx Variant Classification (06012015). Collection method: clinical testing. Allele origin: germline. Affected: yes.
Comment: This variant is considered likely benign or benign based on one or more of the following criteria: it is a conservative change, it occurs at a poorly conserved position in the protein, it is predicted to be benign by multiple in silico algorithms, and/or has population frequency not consistent with disease.